The following is an entry in ClinVar:

NM_001291303.3(FAT4):c.6688C>A (p.Gln2230Lys)

Gene: FAT4 (FAT atypical cadherin 4; plus strand). Cytogenetic location: 4q28.1.
Variant type: single nucleotide variant.
Coding change: c.6688C>A on transcript NM_001291303.3 (MANE Select); coding-DNA position 6688, C replaced by A.
Protein change: p.Gln2230Lys; replaces glutamine 2230 with lysine.
Molecular consequence: missense variant.
Genome position (GRCh38, 1-based): chr4:125,415,651, C>A. VCF-style: chr4-125415651-C-A. GRCh37 (hg19) VCF-style: chr4-126336806-C-A.
Other names: c.6688C>A, p.Gln2230Lys (NM_001291285.3, NM_024582.6); short protein forms Q2230K.
Identifiers: ClinVar variation 1329565 (VCV001329565.3), dbSNP rs758534993, ClinGen allele CA3072963.

ClinVar aggregate classification (germline): Uncertain significance. Review status: criteria provided, multiple submitters, no conflicts (2 of 4 stars). 2 submissions from 2 submitters: Uncertain significance (2). Last evaluated 2022-08-02.

Allele frequency attached by ClinVar (database versions not stated): TOPMed below 0.00001; gnomAD 0.00001; gnomAD exomes 0.00001; ExAC 0.00002.
gnomAD v4.1: 15 of 1,613,928 alleles (0.00093%); highest among the groups gnomAD compares: Admixed American, 0.0083%; no homozygotes.

Submissions (2):

Labcorp Genetics (formerly Invitae), Labcorp
Classification: Uncertain significance. Last evaluated: 2022-08-02. Review status: criteria provided, single submitter. Criteria: Invitae Variant Classification Sherloc (09022015). Collection method: clinical testing. Allele origin: germline.
Comment: This sequence change replaces glutamine, which is neutral and polar, with lysine, which is basic and polar, at codon 2230 of the FAT4 protein (p.Gln2230Lys). This variant is present in population databases (rs758534993, gnomAD 0.006%). This variant has not been reported in the literature in individuals affected with FAT4-related conditions. ClinVar contains an entry for this variant (Variation ID: 1329565). Advanced modeling of protein sequence and biophysical properties (such as structural, functional, and spatial information, amino acid conservation, physicochemical variation, residue mobility, and thermodynamic stability) performed at Invitae indicates that this missense variant is not expected to disrupt FAT4 protein function. In summary, the available evidence is currently insufficient to determine the role of this variant in disease. Therefore, it has been classified as a Variant of Uncertain Significance.

GeneDx
Classification: Uncertain significance. Last evaluated: 2021-06-23. Review status: criteria provided, single submitter. Criteria: GeneDx Variant Classification Process June 2021. Collection method: clinical testing. Allele origin: germline. Affected: yes.
Comment: Not observed at significant frequency in large population cohorts (Lek et al., 2016); In silico analysis supports that this missense variant does not alter protein structure/function; Has not been previously published as pathogenic or benign to our knowledge; This variant is associated with the following publications: (PMID: 27535533, 24913602)